The following is an entry in ClinVar:

NM_001244008.2(KIF1A):c.4120G>C (p.Glu1374Gln)

Gene: KIF1A (kinesin family member 1A; minus strand). Cytogenetic location: 2q37.3.
Variant type: single nucleotide variant.
Coding change: c.4120G>C on transcript NM_001244008.2 (MANE Select); coding-DNA position 4120, G replaced by C.
Protein change: p.Glu1374Gln; replaces glutamic acid 1374 with glutamine.
Molecular consequence: missense variant.
Genome position (GRCh38, 1-based): chr2:240,726,828, C>G on the plus strand (G>C on the coding strand, the complement: KIF1A is on the minus strand). VCF-style: chr2-240726828-C-G. GRCh37 (hg19) VCF-style: chr2-241666245-C-G.
Other names: c.3844G>C, p.Glu1282Gln (NM_001320705.2, NM_001379649.1); c.3871G>C, p.Glu1291Gln (NM_001330289.2); c.3919G>C, p.Glu1307Gln (NM_001330290.2, NM_001379648.1); c.4195G>C, p.Glu1399Gln (NM_001379631.1); c.4096G>C, p.Glu1366Gln (NM_001379632.1); c.4093G>C, p.Glu1365Gln (NM_001379633.1, NM_001379645.1); c.3946G>C, p.Glu1316Gln (NM_001379634.1); c.3943G>C, p.Glu1315Gln (NM_001379635.1, NM_001379646.1); and 7 more; short protein forms E1282Q, E1374Q, E1273Q, E1291Q, E1307Q, E1281Q, E1298Q, E1311Q.
Identifiers: ClinVar variation 847154 (VCV000847154.10), dbSNP rs951775920, ClinGen allele CA351308698.
Genomic context (GRCh38, chr2:240,726,828, plus strand): 5'-ACCTCAAGCTTCAGGGGCTGAGTGGTTTTGGTGGAGTGCCCTGGCATAGGTGCCTTGCCT[C>G]GATATAAGCGGAGAGTGTCATGTAGATTTTCTCTCGATAAGGGGTGACCCGGTTCAGCAG-3'
Protein context (NP_001230937.1, residues 1364-1384): KIYMTLSAYI[Glu1374Gln]MENCTQPAVV

ClinVar aggregate classification (germline): Uncertain significance (1 of 4 stars; one submission).

Conditions:
Hereditary spastic paraplegia 30. Identifiers: Orphanet 101010, MedGen C5235139, MONDO:0012476.
Neuropathy, hereditary sensory, type 2C. Also called: Hereditary sensory and autonomic neuropathy type IIC; KIF1A-Related HSAN2 (HSAN2C). Identifiers: Orphanet 970, MedGen C3280168, MONDO:0013634, OMIM 614213.
Intellectual disability, autosomal dominant 9 (NESCAVS). Also called: NESCAV SYNDROME; KIF1A-Related Neurodevelopmental Disorder. Identifiers: Orphanet 662367, MedGen C5393830, MONDO:0013656, OMIM 614255.

Submission:

Labcorp Genetics (formerly Invitae), Labcorp
Classification: Uncertain significance for Hereditary spastic paraplegia 30; Neuropathy, hereditary sensory, type 2C; Intellectual disability, autosomal dominant 9. Last evaluated: 2024-02-17. Review status: criteria provided, single submitter. Criteria: Invitae Variant Classification Sherloc (09022015). Collection method: clinical testing. Allele origin: germline.
Comment: This sequence change replaces glutamic acid, which is acidic and polar, with glutamine, which is neutral and polar, at codon 1273 of the KIF1A protein (p.Glu1273Gln). This variant is not present in population databases (gnomAD no frequency). This variant has not been reported in the literature in individuals affected with KIF1A-related conditions. ClinVar contains an entry for this variant (Variation ID: 847154). An algorithm developed to predict the effect of missense changes on protein structure and function (PolyPhen-2) suggests that this variant is likely to be tolerated. In summary, the available evidence is currently insufficient to determine the role of this variant in disease. Therefore, it has been classified as a Variant of Uncertain Significance.